The following is an entry in ClinVar:

ClinVar aggregate classification (germline): Uncertain significance (1 of 4 stars; one submission).

gnomAD v4.1: 1 of 1,614,164 alleles (0.000062%); highest among the groups gnomAD compares: South Asian, 0.0011%; no homozygotes.

Submission:

GeneDx
Classification: Uncertain significance. Last evaluated: 2017-04-13. Review status: criteria provided, single submitter. Criteria: GeneDx Variant Classification (06012015). Collection method: clinical testing. Allele origin: germline. Affected: yes.
Comment: A variant of uncertain significance has been identified in the PNKP gene. The G494V variant has not been published as a pathogenic variant, nor has it been reported as a benign variant to our knowledge. The G494V variant is not observed in large population cohorts (Lek et al., 2016; 1000 Genomes Consortium et al., 2015; Exome Variant Server). This substitution occurs at a position that is conserved across species, and in silico analysis predicts this variant is probably damaging to the protein structure/function. However, the G494V variant is a conservative amino acid substitution, which is not likely to impact secondary protein structure as these residues share similar properties. Therefore, based on the currently available information, it is unclear whether this variant is a pathogenic variant or a rare benign variant.

NM_007254.4(PNKP):c.1481G>T (p.Gly494Val)

Gene: PNKP (polynucleotide kinase 3'-phosphatase; minus strand). Cytogenetic location: 19q13.33.
Variant type: single nucleotide variant.
Coding change: c.1481G>T on transcript NM_007254.4 (MANE Select); coding-DNA position 1481, G replaced by T.
Protein change: p.Gly494Val; replaces glycine 494 with valine.
Molecular consequence: missense variant.
Genome position (GRCh38, 1-based): chr19:49,861,333, C>A on the plus strand (G>T on the coding strand, the complement: PNKP is on the minus strand). VCF-style: chr19-49861333-C-A. GRCh37 (hg19) VCF-style: chr19-50364590-C-A.
Other names: short protein forms G494V.
Identifiers: ClinVar variation 426511 (VCV000426511.2), dbSNP rs1085307661, ClinGen allele CA406932506.